The following is an entry in ClinVar:

ClinVar aggregate classification (germline): Uncertain significance (1 of 4 stars; one submission).

Submission:

GeneDx
Classification: Uncertain significance. Last evaluated: 2024-02-10. Review status: criteria provided, single submitter. Criteria: GeneDx Variant Classification Process June 2021. Collection method: clinical testing. Allele origin: germline. Affected: yes.
Comment: Not observed at significant frequency in large population cohorts (gnomAD); In silico analysis supports that this missense variant has a deleterious effect on protein structure/function; Has not been previously published as pathogenic or benign to our knowledge

NM_002578.5(PAK3):c.1360G>A (p.Glu454Lys)

Gene: PAK3 (p21 (RAC1) activated kinase 3; plus strand). Cytogenetic location: Xq23.
Variant type: single nucleotide variant.
Coding change: c.1360G>A on transcript NM_002578.5 (MANE Select); coding-DNA position 1360, G replaced by A.
Protein change: p.Glu454Lys; replaces glutamic acid 454 with lysine.
Molecular consequence: missense variant. On other transcripts: non-coding transcript variant (2).
Genome position (GRCh38, 1-based): chrX:111,196,593, G>A. VCF-style: chrX-111196593-G-A. GRCh37 (hg19) VCF-style: chrX-110439821-G-A.
Other names: c.1360G>A, p.Glu454Lys (NM_001128166.3, NM_001128167.3, NM_001324325.2 and 5 more transcripts); c.1468G>A, p.Glu490Lys (NM_001128168.3); c.1423G>A, p.Glu475Lys (NM_001128172.2); c.1405G>A, p.Glu469Lys (NM_001128173.3, NM_001324327.2, NM_001324328.2 and 2 more transcripts); short protein forms E454K, E469K, E475K, E490K.
Identifiers: ClinVar variation 1309596 (VCV001309596.3), dbSNP rs2149331893, ClinGen allele CA414239870.